The following is an entry in ClinVar:

NM_001378024.1(ARHGAP32):c.5890C>T (p.Arg1964Ter)

Gene: ARHGAP32 (Rho GTPase activating protein 32; minus strand). Cytogenetic location: 11q24.3.
Variant type: single nucleotide variant.
Coding change: c.5890C>T on transcript NM_001378024.1 (MANE Select); coding-DNA position 5890, C replaced by T.
Protein change: p.Arg1964Ter; replaces arginine 1964 with a stop codon.
Molecular consequence: nonsense.
Genome position (GRCh38, 1-based): chr11:128,969,323, G>A on the plus strand (C>T on the coding strand, the complement: ARHGAP32 is on the minus strand). VCF-style: chr11-128969323-G-A. GRCh37 (hg19) VCF-style: chr11-128839218-G-A.
Other names: c.5848C>T, p.Arg1950Ter (NM_001142685.2); c.5728C>T, p.Arg1910Ter (NM_001378025.1); c.4801C>T, p.Arg1601Ter (NM_014715.4); short protein forms R1601*, R1950*, R1910*, R1964*.
Identifiers: ClinVar variation 4980684 (VCV004980684.1).

ClinVar aggregate classification (germline): Uncertain significance (1 of 4 stars; one submission).

Conditions:
ARHGAP32-related disorder. Also called: ARHGAP32-related condition.

gnomAD v4.1: 3 of 1,614,064 alleles (0.00019%); highest among the groups gnomAD compares: Non-Finnish European, 0.00017%; no homozygotes.

Submission:

PreventionGenetics, part of Exact Sciences
Classification: Uncertain significance for ARHGAP32-related condition. Last evaluated: 2024-10-18. Review status: criteria provided, single submitter. Criteria: ACMG Guidelines, 2015. Collection method: clinical testing. Allele origin: germline.
Comment: The ARHGAP32 c.5848C>T variant is predicted to result in premature protein termination (p.Arg1950*). This variant resides in the final exon of this gene, and it is unclear if the resulting mRNA would undergo nonsense-mediated decay. To our knowledge, this variant has not been reported in the literature. This variant is reported in 0.0046% of alleles in individuals of European (Finnish) descent in gnomAD. At this time, the clinical significance of this variant is uncertain due to the absence of conclusive functional and genetic evidence.